The following is an entry in ClinVar:

NM_001018008.2(TPM1):c.667del (p.Gln223fs)

Gene: TPM1 (tropomyosin 1; plus strand). Cytogenetic location: 15q22.2.
Variant type: Deletion.
Coding change: c.667del on transcript NM_001018008.2; coding-DNA position 667, one base deleted (C; older notation c.667delC).
Protein change: p.Gln223fs; shifts the reading frame from glutamine 223.
Molecular consequence: frameshift variant. On other transcripts: intron variant (8), non-coding transcript variant (5).
Genome position (GRCh38, 1-based): chr15:63,069,872, C deleted. VCF-style (leftmost placement, unchanged base first): chr15-63069871-TC-T. GRCh37 (hg19) VCF-style: chr15-63362070-TC-T.
Other names: c.773-1218del (NM_001018020.2, NM_001018007.2, NM_001018006.2 and 1 more transcripts); c.852-1218del (NM_001407326.1); c.665-1218del (NM_001330344.2, NM_001301289.2); c.667del, p.Gln223fs (NM_001330351.2); c.775del, p.Gln259fs (NM_001365776.1, NM_001407336.1, NM_001407337.1 and 1 more transcripts); c.899-1218del (NM_001365778.1); short protein forms Q223fs, Q259fs.
Identifiers: ClinVar variation 926364 (VCV000926364.5), dbSNP rs1249033660, ClinGen allele CA618533670.
Genomic context (GRCh38, chr15:63,069,871, plus strand): 5'-TCTGCTAACCTGTCTTCCTTCTGCCTCTTTTCTGCTAACCTGCTTGCTGACCTGTACAGA[TC>T]AACTCTACCAGCAACTTGAGCAAAATCGCCGCCTCACTAATGAACTAAAGCTGGCCCTGA-3'

ClinVar aggregate classification (germline): Uncertain significance. Review status: criteria provided, multiple submitters, no conflicts (2 of 4 stars). 3 submissions from 3 submitters: Uncertain significance (3). Last evaluated 2026-08-25.

Conditions:
TPM1-related disorder. Also called: TPM1-related condition.
Cardiomyopathy (CMYO). Also called: Cardiomyopathies. Identifiers: Orphanet 167848, MedGen C0878544, MONDO:0004994, HP:0001638. Inheritance: Various modes of inheritance.

Allele frequency attached by ClinVar (database versions not stated): gnomAD exomes 0.00001 and below 0.00001; gnomAD 0.00002; TOPMed 0.00005.

Submissions (3):

PreventionGenetics, part of Exact Sciences
Classification: Uncertain significance for TPM1-related condition. Last evaluated: 2026-08-25. Review status: criteria provided, single submitter. Criteria: ACMG Guidelines, 2015. Collection method: clinical testing. Allele origin: germline.
Comment: The TPM1 c.667delC variant is predicted to result in a frameshift and premature protein termination (p.Gln223Asnfs*16). Of note, this variant is in an alternate transcript and is post-coding (c.*3973del) in the more commonly reported transcript (NM_001018005.1). To our knowledge, this variant has not been reported in the literature. This variant is reported in 2 alleles out of 251,316 alleles in gnomAD and is interpreted as uncertain in ClinVar. Of note, loss of function variants have not commonly been reported in the TPM1 gene. At this time, the clinical significance of this variant is uncertain due to the absence of conclusive functional and genetic evidence.

GeneDx
Classification: Uncertain significance. Last evaluated: 2025-05-22. Review status: criteria provided, single submitter. Criteria: GeneDx Variant Classification Process June 2021. Collection method: clinical testing. Allele origin: germline. Affected: yes.
Comment: Not observed at significant frequency in large population cohorts (gnomAD); Has not been previously published as pathogenic or benign to our knowledge; Reported using an alternate transcript of the gene; Frameshift variant predicted to result in abnormal protein length as the last 23 amino acid(s) are replaced with 15 different amino acid(s) with an unclear effect on protein function

Color Diagnostics, LLC DBA Color Health
Classification: Uncertain significance for Cardiomyopathy. Last evaluated: 2019-09-09. Review status: criteria provided, single submitter. Criteria: ACMG Guidelines, 2015. Collection method: clinical testing. Allele origin: germline.
Comment: This variant is located in the 3' untranslated region of the TPM1 gene. To our knowledge, functional studies have not been performed for this variant nor has this variant been reported in individuals affected with cardiovascular disorders in the literature. This variant has been identified in 2/251316 chromosomes in the general population by the Genome Aggregation Database (gnomAD). Available evidence is insufficient to determine the role of this variant in disease conclusively. Therefore, this variant is classified as a Variant of Uncertain Significance.